The following is an entry in ClinVar:

ClinVar aggregate classification (germline): Uncertain significance (1 of 4 stars; one submission).

Conditions:
Periodic fever-infantile enterocolitis-autoinflammatory syndrome. Also called: Autoinflammation with infantile enterocolitis. Identifiers: Orphanet 436166, MedGen C4015067, MONDO:0014472, OMIM 616050.
Familial cold autoinflammatory syndrome 4 (FCAS4). Identifiers: Orphanet 47045, Orphanet 576349, MedGen C4015276, MONDO:0014498, OMIM 616115.

Submission:

Labcorp Genetics (formerly Invitae), Labcorp
Classification: Uncertain significance for Periodic fever-infantile enterocolitis-autoinflammatory syndrome; Familial cold autoinflammatory syndrome 4. Last evaluated: 2022-10-30. Review status: criteria provided, single submitter. Criteria: Invitae Variant Classification Sherloc (09022015). Collection method: clinical testing. Allele origin: germline.
Comment: Algorithms developed to predict the effect of missense changes on protein structure and function (SIFT, PolyPhen-2, Align-GVGD) all suggest that this variant is likely to be tolerated. This sequence change replaces serine, which is neutral and polar, with threonine, which is neutral and polar, at codon 415 of the NLRC4 protein (p.Ser415Thr). This variant is not present in population databases (gnomAD no frequency). This variant has not been reported in the literature in individuals affected with NLRC4-related conditions. In summary, the available evidence is currently insufficient to determine the role of this variant in disease. Therefore, it has been classified as a Variant of Uncertain Significance.

NM_001199138.2(NLRC4):c.1244G>C (p.Ser415Thr)

Gene: NLRC4 (NLR family CARD domain containing 4; minus strand). Cytogenetic location: 2p22.3.
Variant type: single nucleotide variant.
Coding change: c.1244G>C on transcript NM_001199138.2 (MANE Select); coding-DNA position 1244, G replaced by C.
Protein change: p.Ser415Thr; replaces serine 415 with threonine.
Molecular consequence: missense variant. On other transcripts: intron variant (1).
Genome position (GRCh38, 1-based): chr2:32,250,620, C>G on the plus strand (G>C on the coding strand, the complement: NLRC4 is on the minus strand). VCF-style: chr2-32250620-C-G. GRCh37 (hg19) VCF-style: chr2-32475689-C-G.
Other names: c.1244G>C, p.Ser415Thr (NM_021209.5, NM_001199139.2); c.262+1799G>C (NM_001302504.1); short protein forms S415T.
Identifiers: ClinVar variation 2941128 (VCV002941128.3), dbSNP rs2466760439, ClinGen allele CA346513005.